The following is an entry in ClinVar:

ClinVar aggregate classification (germline): Likely benign. Review status: criteria provided, multiple submitters, no conflicts (2 of 4 stars). 4 submissions from 4 submitters: Likely benign (4). Last evaluated 2026-01-12.

Conditions:
Hereditary cancer-predisposing syndrome. Also called: Tumor predisposition; Hereditary neoplastic syndrome; Neoplastic Syndromes, Hereditary; Hereditary Cancer Syndrome. Identifiers: Orphanet 140162, MedGen C0027672, MeSH D009386, MONDO:0015356.
Gorlin syndrome. Also called: Nevoid Basal Cell Carcinoma Syndrome; Basal cell nevus syndrome. Identifiers: Orphanet 377, MedGen C0004779, MONDO:0007187.

gnomAD v4.1: 1 of 1,598,680 alleles (0.000063%); highest among the groups gnomAD compares: Non-Finnish European, 0.000085%; no homozygotes.

Submissions (4):

Labcorp Genetics (formerly Invitae), Labcorp
Classification: Likely benign for Gorlin syndrome. Last evaluated: 2026-01-12. Review status: criteria provided, single submitter. Criteria: Invitae Variant Classification Sherloc (09022015). Collection method: clinical testing. Allele origin: germline.

CeGaT Center for Human Genetics Tuebingen
Classification: Likely benign. Last evaluated: 2023-01-01. Review status: criteria provided, single submitter. Criteria: CeGaT Center For Human Genetics Tuebingen Variant Classification Criteria Version 2. Collection method: clinical testing. Allele origin: germline. Affected: yes. Observed: 1 variant allele.
Comment: PTCH1: PM2:Supporting, BP4, BP7

Blueprint Genetics
Classification: Likely benign. Last evaluated: 2022-03-24. Review status: criteria provided, single submitter. Criteria: ACMG Guidelines, 2015. Collection method: clinical testing. Allele origin: germline.

Ambry Genetics
Classification: Likely benign for Hereditary cancer-predisposing syndrome. Last evaluated: 2019-08-02. Review status: criteria provided, single submitter. Criteria: Ambry Variant Classification Scheme 2023. Collection method: clinical testing. Allele origin: germline.

NM_000264.5(PTCH1):c.108G>A (p.Thr36=)

Genes: PTCH1 (patched 1; minus strand), LOC130002133 (ATAC-STARR-seq lymphoblastoid silent region 20071; plus strand). Cytogenetic location: 9q22.32.
Variant type: single nucleotide variant.
Coding change: c.108G>A on transcript NM_000264.5 (MANE Select); coding-DNA position 108, G replaced by A.
Protein change: p.Thr36=; no amino-acid change (threonine 36 retained).
Molecular consequence: synonymous variant. On other transcripts: non-coding transcript variant (1), intron variant (3).
Genome position (GRCh38, 1-based): chr9:95,508,254, C>T on the plus strand (G>A on the coding strand, the complement: PTCH1 is on the minus strand). VCF-style: chr9-95508254-C-T. GRCh37 (hg19) VCF-style: chr9-98270536-C-T.
Other names: c.108G>A, p.Thr36= (NM_001354918.2); c.199-1655G>A (NM_001083603.3); c.4-1655G>A (NM_001083602.3, NM_001354919.2).
Identifiers: ClinVar variation 822138 (VCV000822138.40), dbSNP rs1363824163, ClinGen allele CA466107704.
Genomic context (GRCh38, chr9:95,508,254, plus strand): 5'-GCAGTAGCTGGGCCGGTGCAGATAGTCCCGGTCCGGCGCGGCAGCACGGCGCAGCCCCCC[C>T]GTCCGTCTGCGCCTCCCGCCTCCAGCCGGCCGTCCCGGGGCACCGATACAGCCGCTGCCG-3'
Protein context (NP_000255.2, residues 26-46): RPAGGGRRRR[Thr36=]GGLRRAAAPD